The following is an entry in ClinVar:

NM_182914.3(SYNE2):c.2284G>A (p.Val762Met)

Gene: SYNE2 (spectrin repeat containing nuclear envelope protein 2; plus strand). Cytogenetic location: 14q23.2.
Variant type: single nucleotide variant.
Coding change: c.2284G>A on transcript NM_182914.3 (MANE Select); coding-DNA position 2284, G replaced by A.
Protein change: p.Val762Met; replaces valine 762 with methionine.
Molecular consequence: missense variant.
Genome position (GRCh38, 1-based): chr14:63,986,588, G>A. VCF-style: chr14-63986588-G-A. GRCh37 (hg19) VCF-style: chr14-64453306-G-A.
Other names: c.2284G>A, p.Val762Met (NM_015180.6); short protein forms V762M.
Identifiers: ClinVar variation 2722347 (VCV002722347.3), dbSNP rs1346698226, ClinGen allele CA389970064.
Genomic context (GRCh38, chr14:63,986,588, plus strand): 5'-CTCATTGGACAAGTGGAAATCTGGGAGGCAGAAGCCAAATCTGTTTTGGATCAAGATGAT[G>A]TGGACACCTCAATGGAAGAATCTTTGAAGGTATGTGTGTAAAAGTATTAAGAGGGTACTT-3'
Protein context (NP_878918.2, residues 752-772): EAKSVLDQDD[Val762Met]DTSMEESLKH

ClinVar aggregate classification (germline): Uncertain significance (1 of 4 stars; one submission).

Conditions:
Emery-Dreifuss muscular dystrophy 5, autosomal dominant (EDMD5). Also called: EMERY-DREIFUSS MUSCULAR DYSTROPHY 5. Identifiers: Orphanet 261, MedGen C2751805, MONDO:0013072, OMIM 612999.

Allele frequency attached by ClinVar (database versions not stated): gnomAD exomes below 0.00001; TOPMed below 0.00001.
gnomAD v4.1: 1 of 1,614,162 alleles (0.000062%); highest among the groups gnomAD compares: Non-Finnish European, 0.000085%; no homozygotes.

Submission:

Labcorp Genetics (formerly Invitae), Labcorp
Classification: Uncertain significance for Emery-Dreifuss muscular dystrophy 5, autosomal dominant. Last evaluated: 2025-10-05. Review status: criteria provided, single submitter. Criteria: Invitae Variant Classification Sherloc (09022015). Collection method: clinical testing. Allele origin: germline.
Comment: This sequence change replaces valine, which is neutral and non-polar, with methionine, which is neutral and non-polar, at codon 762 of the SYNE2 protein (p.Val762Met). This variant is not present in population databases (gnomAD no frequency). This variant has not been reported in the literature in individuals affected with SYNE2-related conditions. ClinVar contains an entry for this variant (Variation ID: 2722347). An algorithm developed to predict the effect of missense changes on protein structure and function outputs the following: PolyPhen-2: "Benign". The methionine amino acid residue is found in multiple mammalian species, which suggests that this missense change does not adversely affect protein function. In summary, the available evidence is currently insufficient to determine the role of this variant in disease. Therefore, it has been classified as a Variant of Uncertain Significance.